The following is an entry in ClinVar:

NM_000036.3(AMPD1):c.99A>G (p.Gly33=)

Gene: AMPD1 (adenosine monophosphate deaminase 1; minus strand). Cytogenetic location: 1p13.2.
Variant type: single nucleotide variant.
Coding change: c.99A>G on transcript NM_000036.3 (MANE Select); coding-DNA position 99, A replaced by G.
Protein change: p.Gly33=; no amino-acid change (glycine 33 retained).
Molecular consequence: synonymous variant.
Genome position (GRCh38, 1-based): chr1:114,688,677, T>C on the plus strand (A>G on the coding strand, the complement: AMPD1 is on the minus strand). VCF-style: chr1-114688677-T-C. GRCh37 (hg19) VCF-style: chr1-115231298-T-C.
Other names: c.87A>G, p.Gly29= (NM_001172626.2).
Identifiers: ClinVar variation 92333 (VCV000092333.47), dbSNP rs61752480, ClinGen allele CA220250.
Genomic context (GRCh38, chr1:114,688,677, plus strand): 5'-CTCATGATGAGAAATCGGACAGATCTCATCCACATCAAAGGGGGAAATCTCCTGACGACC[T>C]CCTTCATCTTTGACTTCAGAGGCAAACACTTTTTCAGCAAAGTTGCGCATTGCATCATCA-3'
Protein context (NP_000027.3, residues 23-43): KVFASEVKDE[Gly33=]GRQEISPFDV

ClinVar aggregate classification (germline): Benign/Likely benign. Review status: criteria provided, multiple submitters, no conflicts (2 of 4 stars). 4 submissions from 4 submitters: Benign (2); Likely benign (2). Last evaluated 2026-07-01.

Conditions:
Muscle AMP deaminase deficiency (MMDD). Also called: ADENOSINE MONOPHOSPHATE DEAMINASE-1 DEFICIENCY, MYOPATHY DUE TO; Myoadenylate deaminase deficiency, myopathy due to; Adenosine monophosphate deaminase 1 deficiency; AMP deaminase 1 deficiency; Adenosine Monophosphate Deaminase 1; AMPD1 DEFICIENCY. Identifiers: Orphanet 45, MedGen C3714933, MONDO:0014220, OMIM 615511.

Allele frequency attached by ClinVar (database versions not stated): 1000 Genomes Project 30x 0.00094; 1000 Genomes Project 0.00100; ExAC 0.00225; TOPMed 0.00267; gnomAD exomes 0.00269 and 0.00466; gnomAD 0.00309 and 0.00310; ESP Exome Variant Server 0.00415.
gnomAD v4.1: 7,295 of 1,614,210 alleles (0.45%); highest among the groups gnomAD compares: Non-Finnish European, 0.54%; 37 homozygotes.

Submissions (4):

CeGaT Center for Human Genetics Tuebingen
Classification: Likely benign. Last evaluated: 2026-07-01. Review status: criteria provided, single submitter. Criteria: CeGaT Center For Human Genetics Tuebingen Variant Classification Criteria Version 2. Collection method: clinical testing. Allele origin: germline. Affected: yes. Observed: 15 variant alleles.
Comment: AMPD1: BP4, BP7, BS2

Labcorp Genetics (formerly Invitae), Labcorp
Classification: Benign for Muscle AMP deaminase deficiency. Last evaluated: 2026-02-02. Review status: criteria provided, single submitter. Criteria: Invitae Variant Classification Sherloc (09022015). Collection method: clinical testing. Allele origin: germline.

Blueprint Genetics
Classification: Likely benign. Last evaluated: 2024-11-23. Review status: criteria provided, single submitter. Criteria: ACMG Guidelines, 2015. Collection method: clinical testing. Allele origin: germline.

Eurofins Ntd Llc (ga)
Classification: Benign. Last evaluated: 2015-10-29. Review status: criteria provided, single submitter. Criteria: EGL Classification Definitions 2015. Collection method: clinical testing. Allele origin: germline. Observed: 3 variant alleles, 3 heterozygotes.